The following is an entry in ClinVar:

ClinVar aggregate classification (germline): Pathogenic (1 of 4 stars; one submission).

Allele frequency attached by ClinVar (database versions not stated): gnomAD exomes below 0.00001; TOPMed 0.00001.

Submission:

Labcorp Genetics (formerly Invitae), Labcorp
Classification: Pathogenic. Last evaluated: 2023-11-27. Review status: criteria provided, single submitter. Criteria: Invitae Variant Classification Sherloc (09022015). Collection method: clinical testing. Allele origin: germline.
Comment: This sequence change creates a premature translational stop signal (p.Asp372Thrfs*19) in the CDH3 gene. It is expected to result in an absent or disrupted protein product. Loss-of-function variants in CDH3 are known to be pathogenic (PMID: 15805154, 27386845, 29620724). This variant is not present in population databases (gnomAD no frequency). This variant has not been reported in the literature in individuals affected with CDH3-related conditions. ClinVar contains an entry for this variant (Variation ID: 2028530). For these reasons, this variant has been classified as Pathogenic.

Literature cited by the submitters: PubMed 15805154; PubMed 27386845; PubMed 29620724.

NM_001793.6(CDH3):c.1114del (p.Asp372fs)

Gene: CDH3 (cadherin 3; plus strand). Cytogenetic location: 16q22.1.
Variant type: Deletion.
Coding change: c.1114del on transcript NM_001793.6 (MANE Select); coding-DNA position 1114, one base deleted (G; older notation c.1114delG).
Protein change: p.Asp372fs; shifts the reading frame from aspartic acid 372.
Molecular consequence: frameshift variant.
Genome position (GRCh38, 1-based): chr16:68,682,419, G deleted. VCF-style (leftmost placement, unchanged base first): chr16-68682418-TG-T. GRCh37 (hg19) VCF-style: chr16-68716321-TG-T.
Other names: c.1114del, p.Asp372fs (NM_001317195.3); c.949del, p.Asp317fs (NM_001317196.2); short protein forms D317fs, D372fs.
Identifiers: ClinVar variation 2028530 (VCV002028530.4), dbSNP rs1961257560, ClinGen allele CA2229885977.